The following is an entry in ClinVar:

NM_001330311.2(DVL1):c.22T>A (p.Tyr8Asn)

Gene: DVL1 (dishevelled segment polarity protein 1; minus strand). Cytogenetic location: 1p36.33.
Variant type: single nucleotide variant.
Coding change: c.22T>A on transcript NM_001330311.2 (MANE Select); coding-DNA position 22, T replaced by A.
Protein change: p.Tyr8Asn; replaces tyrosine 8 with asparagine.
Molecular consequence: missense variant.
Genome position (GRCh38, 1-based): chr1:1,349,044, A>T on the plus strand (T>A on the coding strand, the complement: DVL1 is on the minus strand). VCF-style: chr1-1349044-A-T. GRCh37 (hg19) VCF-style: chr1-1284424-A-T.
Other names: c.22T>A (NM_004421.2); c.22T>A, p.Tyr8Asn (NM_004421.3); short protein forms Y8N.
Identifiers: ClinVar variation 2734982 (VCV002734982.4), dbSNP rs2523251611, ClinGen allele CA337879845.

ClinVar aggregate classification (germline): Uncertain significance. Review status: criteria provided, multiple submitters, no conflicts (2 of 4 stars). 2 submissions from 2 submitters: Uncertain significance (2). Last evaluated 2025-02-19.

Conditions:
Inborn genetic diseases. Identifiers: MedGen C0950123, MeSH D030342.

Submissions (2):

Ambry Genetics
Classification: Uncertain significance for Inborn genetic diseases. Last evaluated: 2025-02-19. Review status: criteria provided, single submitter. Criteria: Ambry Variant Classification Scheme 2023. Collection method: clinical testing. Allele origin: germline.

Labcorp Genetics (formerly Invitae), Labcorp
Classification: Uncertain significance. Last evaluated: 2023-07-03. Review status: criteria provided, single submitter. Criteria: Invitae Variant Classification Sherloc (09022015). Collection method: clinical testing. Allele origin: germline.
Comment: This sequence change replaces tyrosine, which is neutral and polar, with asparagine, which is neutral and polar, at codon 8 of the DVL1 protein (p.Tyr8Asn). This variant is not present in population databases (gnomAD no frequency). This variant has not been reported in the literature in individuals affected with DVL1-related conditions. Advanced modeling of protein sequence and biophysical properties (such as structural, functional, and spatial information, amino acid conservation, physicochemical variation, residue mobility, and thermodynamic stability) performed at Invitae indicates that this missense variant is expected to disrupt DVL1 protein function. In summary, the available evidence is currently insufficient to determine the role of this variant in disease. Therefore, it has been classified as a Variant of Uncertain Significance.